The following is an entry in ClinVar:

ClinVar aggregate classification (germline): Likely benign (1 of 4 stars; one submission).

Allele frequency attached by ClinVar (database versions not stated): gnomAD 0.00005; ExAC 0.00008; ESP Exome Variant Server 0.00016; TOPMed 0.00020.
gnomAD v4.1: 133 of 1,614,080 alleles (0.0082%); highest among the groups gnomAD compares: Admixed American, 0.015%; no homozygotes.

Submission:

CeGaT Center for Human Genetics Tuebingen
Classification: Likely benign. Last evaluated: 2024-01-01. Review status: criteria provided, single submitter. Criteria: CeGaT Center For Human Genetics Tuebingen Variant Classification Criteria Version 2. Collection method: clinical testing. Allele origin: germline. Affected: yes. Observed: 1 variant allele.
Comment: MYOF: BS2

NM_013451.4(MYOF):c.2940G>A (p.Trp980Ter)

Gene: MYOF (myoferlin; minus strand). Cytogenetic location: 10q23.33.
Variant type: single nucleotide variant.
Coding change: c.2940G>A on transcript NM_013451.4 (MANE Select); coding-DNA position 2940, G replaced by A.
Protein change: p.Trp980Ter; replaces tryptophan 980 with a stop codon.
Molecular consequence: nonsense.
Genome position (GRCh38, 1-based): chr10:93,361,486, C>T on the plus strand (G>A on the coding strand, the complement: MYOF is on the minus strand). VCF-style: chr10-93361486-C-T. GRCh37 (hg19) VCF-style: chr10-95121243-C-T.
Other names: c.2901G>A, p.Trp967Ter (NM_133337.3); short protein forms W967*, W980*.
Identifiers: ClinVar variation 3025268 (VCV003025268.22), dbSNP rs201932767, ClinGen allele CA5607661.